The following is an entry in ClinVar:

NM_003024.3(ITSN1):c.2534C>T (p.Thr845Met)

Gene: ITSN1 (intersectin 1; plus strand). Cytogenetic location: 21q22.11.
Variant type: single nucleotide variant.
Coding change: c.2534C>T on transcript NM_003024.3 (MANE Select); coding-DNA position 2534, C replaced by T.
Protein change: p.Thr845Met; replaces threonine 845 with methionine.
Molecular consequence: missense variant.
Genome position (GRCh38, 1-based): chr21:33,811,189, C>T. VCF-style: chr21-33811189-C-T. GRCh37 (hg19) VCF-style: chr21-35183493-C-T.
Other names: c.2534C>T, p.Thr845Met (NM_001001132.2, NM_001331008.2); c.2519C>T, p.Thr840Met (NM_001331009.2, NM_001331010.2, NM_001331011.2); c.2408C>T, p.Thr803Met (NM_001331012.2); short protein forms T803M, T840M, T845M.
Identifiers: ClinVar variation 2214461 (VCV002214461.3), dbSNP rs200510636, ClinGen allele CA10011839.
Genomic context (GRCh38, chr21:33,811,189, plus strand): 5'-CCAAACTGGCCTTGCGTGAGACCCCCGCCCCTTTGGCAGTAACCTCTTCAGAGCCCTCCA[C>T]GACCCCTAATAACTGGGCCGACTTCAGCTCCACGTACGTGTTGGTGGGCTCTTTCTGATG-3'
Protein context (NP_003015.2, residues 835-855): PLAVTSSEPS[Thr845Met]TPNNWADFSS

ClinVar aggregate classification (germline): Uncertain significance. Review status: criteria provided, multiple submitters, no conflicts (2 of 4 stars). 2 submissions from 2 submitters: Uncertain significance (2). Last evaluated 2022-12-18.

Conditions:
Inborn genetic diseases. Identifiers: MedGen C0950123, MeSH D030342.
ITSN1-related disorder. Also called: ITSN1-related condition.

Allele frequency attached by ClinVar (database versions not stated): gnomAD 0.00004; TOPMed 0.00004; gnomAD exomes 0.00012; ExAC 0.00014; 1000 Genomes Project 0.00020; 1000 Genomes Project 30x 0.00031.
gnomAD v4.1: 178 of 1,608,638 alleles (0.011%); highest among the groups gnomAD compares: East Asian, 0.35%; no homozygotes.

Submissions (2):

PreventionGenetics, part of Exact Sciences
Classification: Uncertain significance for ITSN1-related condition. Last evaluated: 2022-12-18. Review status: criteria provided, single submitter. Criteria: ACMG Guidelines, 2015. Collection method: clinical testing. Allele origin: germline.
Comment: The ITSN1 c.2534C>T variant is predicted to result in the amino acid substitution p.Thr845Met. To our knowledge, this variant has not been reported in the literature. This variant is reported in 0.12% of alleles in individuals of East Asian descent in gnomAD. Although we suspect that this variant may be benign, at this time, the clinical significance of this variant is uncertain due to the absence of conclusive functional and genetic evidence.

Ambry Genetics
Classification: Uncertain significance for Inborn genetic diseases. Last evaluated: 2022-01-27. Review status: criteria provided, single submitter. Criteria: Ambry Variant Classification Scheme 2023. Collection method: clinical testing. Allele origin: germline.